The following is an entry in ClinVar:

ClinVar aggregate classification (germline): Uncertain significance (1 of 4 stars; one submission).

Conditions:
Nemaline myopathy 2 (NEM2). Also called: Nemaline myopathy 2, autosomal recessive. Identifiers: MedGen C1850569, MONDO:0009725, OMIM 256030.

Submission:

Labcorp Genetics (formerly Invitae), Labcorp
Classification: Uncertain significance for Nemaline myopathy 2. Last evaluated: 2021-05-26. Review status: criteria provided, single submitter. Criteria: Invitae Variant Classification Sherloc (09022015). Collection method: clinical testing. Allele origin: germline.
Comment: This variant is not present in population databases (ExAC no frequency). This sequence change replaces valine with leucine at codon 1979 of the NEB protein (p.Val1979Leu). The valine residue is moderately conserved and there is a small physicochemical difference between valine and leucine. This variant has not been reported in the literature in individuals with NEB-related conditions. In summary, the available evidence is currently insufficient to determine the role of this variant in disease. Therefore, it has been classified as a Variant of Uncertain Significance. Algorithms developed to predict the effect of missense changes on protein structure and function are either unavailable or do not agree on the potential impact of this missense change (SIFT: "Deleterious"; PolyPhen-2: "Not Available"; Align-GVGD: "Class C0").

NM_001164508.2(NEB):c.5935G>C (p.Val1979Leu)

Gene: NEB (nebulin; minus strand). Cytogenetic location: 2q23.3.
Variant type: single nucleotide variant.
Coding change: c.5935G>C on transcript NM_001164508.2 (MANE Select); coding-DNA position 5935, G replaced by C.
Protein change: p.Val1979Leu; replaces valine 1979 with leucine.
Molecular consequence: missense variant.
Genome position (GRCh38, 1-based): chr2:151,662,170, C>G on the plus strand (G>C on the coding strand, the complement: NEB is on the minus strand). VCF-style: chr2-151662170-C-G. GRCh37 (hg19) VCF-style: chr2-152518684-C-G.
Other names: c.5935G>C, p.Val1979Leu (NM_001164507.2, NM_001271208.2, NM_004543.5); short protein forms V1979L.
Identifiers: ClinVar variation 1493645 (VCV001493645.8), dbSNP rs771329756, ClinGen allele CA348805491.